The following is an entry in ClinVar:

NM_015164.4(PLEKHM2):c.2248T>G (p.Trp750Gly)

Gene: PLEKHM2 (pleckstrin homology and RUN domain containing M2; plus strand). Cytogenetic location: 1p36.21.
Variant type: single nucleotide variant.
Coding change: c.2248T>G on transcript NM_015164.4 (MANE Select); coding-DNA position 2248, T replaced by G.
Protein change: p.Trp750Gly; replaces tryptophan 750 with glycine.
Molecular consequence: missense variant.
Genome position (GRCh38, 1-based): chr1:15,730,571, T>G. VCF-style: chr1-15730571-T-G. GRCh37 (hg19) VCF-style: chr1-16057066-T-G.
Other names: c.2188T>G, p.Trp730Gly (NM_001410755.1); short protein forms W730G, W750G.
Identifiers: ClinVar variation 3661873 (VCV003661873.2).

ClinVar aggregate classification (germline): Uncertain significance (1 of 4 stars; one submission).

Submission:

Labcorp Genetics (formerly Invitae), Labcorp
Classification: Uncertain significance. Last evaluated: 2024-08-10. Review status: criteria provided, single submitter. Criteria: Invitae Variant Classification Sherloc (09022015). Collection method: clinical testing. Allele origin: germline.
Comment: This sequence change replaces tryptophan, which is neutral and slightly polar, with glycine, which is neutral and non-polar, at codon 750 of the PLEKHM2 protein (p.Trp750Gly). This variant is not present in population databases (gnomAD no frequency). This variant has not been reported in the literature in individuals affected with PLEKHM2-related conditions. An algorithm developed to predict the effect of missense changes on protein structure and function (PolyPhen-2) suggests that this variant is likely to be disruptive. In summary, the available evidence is currently insufficient to determine the role of this variant in disease. Therefore, it has been classified as a Variant of Uncertain Significance.